The following is an entry in ClinVar:

NM_000138.5(FBN1):c.3720T>A (p.Asp1240Glu)

Gene: FBN1 (fibrillin 1; minus strand). Cytogenetic location: 15q21.1.
Variant type: single nucleotide variant.
Coding change: c.3720T>A on transcript NM_000138.5 (MANE Select); coding-DNA position 3720, T replaced by A.
Protein change: p.Asp1240Glu; replaces aspartic acid 1240 with glutamic acid.
Molecular consequence: missense variant.
Genome position (GRCh38, 1-based): chr15:48,483,936, A>T on the plus strand (T>A on the coding strand, the complement: FBN1 is on the minus strand). VCF-style: chr15-48483936-A-T. GRCh37 (hg19) VCF-style: chr15-48776133-A-T.
Other names: c.3720T>A, p.Asp1240Glu (NM_001406716.1); short protein forms D1240E.
Identifiers: ClinVar variation 5021599 (VCV005021599.1).

ClinVar aggregate classification (germline): Uncertain significance (1 of 4 stars; one submission).

Conditions:
Familial thoracic aortic aneurysm and aortic dissection (TAAD). Also called: Thoracic aortic aneurysms and dissections. Identifiers: Orphanet 91387, MedGen C4707243, MONDO:0019625.

Submission:

Ambry Genetics
Classification: Uncertain significance for Familial thoracic aortic aneurysm and aortic dissection. Last evaluated: 2026-08-22. Review status: criteria provided, single submitter. Criteria: Ambry Variant Classification Scheme 2023. Collection method: clinical testing. Allele origin: germline.
Comment: The p.D1240E variant (also known as c.3720T>A), located in coding exon 30 of the FBN1 gene, results from a T to A substitution at nucleotide position 3720. The aspartic acid at codon 1240 is replaced by glutamic acid, an amino acid with highly similar properties. This amino acid position is conserved. In addition, this alteration is predicted to be deleterious by in silico analysis. Based on the available evidence, the clinical significance of this variant remains unclear.